The following is an entry in ClinVar:

NM_000064.4(C3):c.267G>A (p.Thr89=)

Gene: C3 (complement C3; minus strand). Cytogenetic location: 19p13.3.
Variant type: single nucleotide variant.
Coding change: c.267G>A on transcript NM_000064.4 (MANE Select); coding-DNA position 267, G replaced by A.
Protein change: p.Thr89=; no amino-acid change (threonine 89 retained).
Molecular consequence: synonymous variant.
Genome position (GRCh38, 1-based): chr19:6,719,211, C>T on the plus strand (G>A on the coding strand, the complement: C3 is on the minus strand). VCF-style: chr19-6719211-C-T. GRCh37 (hg19) VCF-style: chr19-6719222-C-T.
Identifiers: ClinVar variation 3713835 (VCV003713835.2).

ClinVar aggregate classification (germline): Uncertain significance (1 of 4 stars; one submission).

gnomAD v4.1: 2 of 1,613,748 alleles (0.00012%); highest among the groups gnomAD compares: Non-Finnish European, 0.000085%; no homozygotes.

Submission:

Labcorp Genetics (formerly Invitae), Labcorp
Classification: Uncertain significance. Last evaluated: 2024-02-22. Review status: criteria provided, single submitter. Criteria: Invitae Variant Classification Sherloc (09022015). Collection method: clinical testing. Allele origin: germline.
Comment: This sequence change affects codon 89 of the C3 mRNA. It is a 'silent' change, meaning that it does not change the encoded amino acid sequence of the C3 protein. This variant also falls at the last nucleotide of exon 2, which is part of the consensus splice site for this exon. This variant is present in population databases (no rsID available, gnomAD 0.0009%). This variant has not been reported in the literature in individuals affected with C3-related conditions. Variants that disrupt the consensus splice site are a relatively common cause of aberrant splicing (PMID: 17576681, 9536098). Algorithms developed to predict the effect of sequence changes on RNA splicing suggest that this variant is not likely to affect RNA splicing. In summary, the available evidence is currently insufficient to determine the role of this variant in disease. Therefore, it has been classified as a Variant of Uncertain Significance.

Literature cited by the submitters: PubMed 17576681; PubMed 9536098.